The following is an entry in ClinVar:

ClinVar aggregate classification (germline): Uncertain significance (1 of 4 stars; one submission).

Conditions:
Congenital disorder of glycosylation type Ir (CDG1R). Also called: DDOST-congenital disorder of glycosylation. Identifiers: Orphanet 300536, MedGen C3281084, MONDO:0013789, OMIM 614507.

Submission:

Labcorp Genetics (formerly Invitae), Labcorp
Classification: Uncertain significance for Congenital disorder of glycosylation type Ir. Last evaluated: 2024-01-22. Review status: criteria provided, single submitter. Criteria: Invitae Variant Classification Sherloc (09022015). Collection method: clinical testing. Allele origin: germline.
Comment: This sequence change affects codon 316 of the DDOST mRNA. It is a 'silent' change, meaning that it does not change the encoded amino acid sequence of the DDOST protein. This variant is not present in population databases (gnomAD no frequency). This variant has not been reported in the literature in individuals affected with DDOST-related conditions. ClinVar contains an entry for this variant (Variation ID: 2019684). Algorithms developed to predict the effect of sequence changes on RNA splicing suggest that this variant may create or strengthen a splice site. In summary, the available evidence is currently insufficient to determine the role of this variant in disease. Therefore, it has been classified as a Variant of Uncertain Significance.

NM_005216.5(DDOST):c.897G>A (p.Val299=)

Gene: DDOST (dolichyl-diphosphooligosaccharide--protein glycosyltransferase non-catalytic subunit; minus strand). Cytogenetic location: 1p36.12.
Variant type: single nucleotide variant.
Coding change: c.897G>A on transcript NM_005216.5 (MANE Select); coding-DNA position 897, G replaced by A.
Protein change: p.Val299=; no amino-acid change (valine 299 retained).
Molecular consequence: synonymous variant.
Genome position (GRCh38, 1-based): chr1:20,653,672, C>T on the plus strand (G>A on the coding strand, the complement: DDOST is on the minus strand). VCF-style: chr1-20653672-C-T. GRCh37 (hg19) VCF-style: chr1-20980165-C-T.
Identifiers: ClinVar variation 2019684 (VCV002019684.4), dbSNP rs2545274363, ClinGen allele CA416506573.
Genomic context (GRCh38, chr1:20,653,672, plus strand): 5'-CCAAACATCTCTTACCACTAGGTCAGTGACAGTGTAGGCATTGGGTGGGGCTGTCTCGCC[C>T]ACCCGATGATGGGACACAGGCCCCACACGGAGGACACCCTCCTCCTTGAACACCCAGCGG-3'
Protein context (NP_005207.3, residues 289-309): LRVGPVSHHR[Val299=]GETAPPNAYT